The following is an entry in ClinVar:

NM_001013838.3(CARMIL2):c.2548C>T (p.Leu850Phe)

Gene: CARMIL2 (capping protein regulator and myosin 1 linker 2; plus strand). Cytogenetic location: 16q22.1.
Variant type: single nucleotide variant.
Coding change: c.2548C>T on transcript NM_001013838.3 (MANE Select); coding-DNA position 2548, C replaced by T.
Protein change: p.Leu850Phe; replaces leucine 850 with phenylalanine.
Molecular consequence: missense variant.
Genome position (GRCh38, 1-based): chr16:67,651,805, C>T. VCF-style: chr16-67651805-C-T. GRCh37 (hg19) VCF-style: chr16-67685708-C-T.
Other names: c.2440C>T, p.Leu814Phe (NM_001317026.3, NM_001438244.1, NM_001438835.1); short protein forms L814F, L850F.
Identifiers: ClinVar variation 4809334 (VCV004809334.1).
Genomic context (GRCh38, chr16:67,651,805, plus strand): 5'-TCCAGCTGGAGGGAGCAGCTAGAGGGGGTCCTGGCAGGCTCGAGGGGCCTCCCGGAGCTG[C>T]TCCCAGAGCAGCTGCTGCAAGATGCCTTCACTAGGCTCAGGTAGGCTGGATGGGGCTGGG-3'
Protein context (NP_001013860.1, residues 840-860): LAGSRGLPEL[Leu850Phe]PEQLLQDAFT

ClinVar aggregate classification (germline): Uncertain significance (1 of 4 stars; one submission).

Submission:

Labcorp Genetics (formerly Invitae), Labcorp
Classification: Uncertain significance. Last evaluated: 2025-08-25. Review status: criteria provided, single submitter. Criteria: Invitae Variant Classification Sherloc (09022015). Collection method: clinical testing. Allele origin: germline.
Comment: This sequence change replaces leucine, which is neutral and non-polar, with phenylalanine, which is neutral and non-polar, at codon 850 of the CARMIL2 protein (p.Leu850Phe). This variant is not present in population databases (gnomAD no frequency). This variant has not been reported in the literature in individuals affected with CARMIL2-related conditions. Invitae Evidence Modeling of protein sequence and biophysical properties (such as structural, functional, and spatial information, amino acid conservation, physicochemical variation, residue mobility, and thermodynamic stability) indicates that this missense variant is not expected to disrupt CARMIL2 protein function with a negative predictive value of 80%. In summary, the available evidence is currently insufficient to determine the role of this variant in disease. Therefore, it has been classified as a Variant of Uncertain Significance.